The following is an entry in ClinVar:

NM_152424.4(AMER1):c.1595G>A (p.Ser532Asn)

Gene: AMER1 (APC membrane recruitment protein 1; minus strand). Cytogenetic location: Xq11.2.
Variant type: single nucleotide variant.
Coding change: c.1595G>A on transcript NM_152424.4 (MANE Select); coding-DNA position 1595, G replaced by A.
Protein change: p.Ser532Asn; replaces serine 532 with asparagine.
Molecular consequence: missense variant.
Genome position (GRCh38, 1-based): chrX:64,191,692, C>T on the plus strand (G>A on the coding strand, the complement: AMER1 is on the minus strand). VCF-style: chrX-64191692-C-T. GRCh37 (hg19) VCF-style: chrX-63411572-C-T.
Other names: short protein forms S532N.
Identifiers: ClinVar variation 2751250 (VCV002751250.3), dbSNP rs2147087873, ClinGen allele CA413307263.

ClinVar aggregate classification (germline): Uncertain significance (1 of 4 stars; one submission).

Submission:

Labcorp Genetics (formerly Invitae), Labcorp
Classification: Uncertain significance. Last evaluated: 2023-08-09. Review status: criteria provided, single submitter. Criteria: Invitae Variant Classification Sherloc (09022015). Collection method: clinical testing. Allele origin: germline.
Comment: In summary, the available evidence is currently insufficient to determine the role of this variant in disease. Therefore, it has been classified as a Variant of Uncertain Significance. Algorithms developed to predict the effect of missense changes on protein structure and function output the following: SIFT: "Not Available"; PolyPhen-2: "Benign"; Align-GVGD: "Not Available". The asparagine amino acid residue is found in multiple mammalian species, which suggests that this missense change does not adversely affect protein function. This variant has not been reported in the literature in individuals affected with AMER1-related conditions. This variant is not present in population databases (gnomAD no frequency). This sequence change replaces serine, which is neutral and polar, with asparagine, which is neutral and polar, at codon 532 of the AMER1 protein (p.Ser532Asn).